The following is an entry in ClinVar:

NM_001379081.2(FREM1):c.4114T>G (p.Trp1372Gly)

Gene: FREM1 (FRAS1 related extracellular matrix 1; minus strand). Cytogenetic location: 9p22.3.
Variant type: single nucleotide variant.
Coding change: c.4114T>G on transcript NM_001379081.2 (MANE Select); coding-DNA position 4114, T replaced by G.
Protein change: p.Trp1372Gly; replaces tryptophan 1372 with glycine.
Molecular consequence: missense variant. On other transcripts: non-coding transcript variant (1).
Genome position (GRCh38, 1-based): chr9:14,788,982, A>C on the plus strand (T>G on the coding strand, the complement: FREM1 is on the minus strand). VCF-style: chr9-14788982-A-C. GRCh37 (hg19) VCF-style: chr9-14788980-A-C.
Other names: c.4114T>G, p.Trp1372Gly (NM_144966.7); short protein forms W1372G.
Identifiers: ClinVar variation 2962806 (VCV002962806.3), dbSNP rs772436406, ClinGen allele CA4990301.

ClinVar aggregate classification (germline): Uncertain significance (1 of 4 stars; one submission).

Allele frequency attached by ClinVar (database versions not stated): gnomAD 0.00001; ExAC 0.00007.
gnomAD v4.1: 33 of 1,612,992 alleles (0.002%); highest among the groups gnomAD compares: South Asian, 0.035%; no homozygotes.

Submission:

Labcorp Genetics (formerly Invitae), Labcorp
Classification: Uncertain significance. Last evaluated: 2023-04-15. Review status: criteria provided, single submitter. Criteria: Invitae Variant Classification Sherloc (09022015). Collection method: clinical testing. Allele origin: germline.
Comment: In summary, the available evidence is currently insufficient to determine the role of this variant in disease. Therefore, it has been classified as a Variant of Uncertain Significance. Advanced modeling of protein sequence and biophysical properties (such as structural, functional, and spatial information, amino acid conservation, physicochemical variation, residue mobility, and thermodynamic stability) performed at Invitae indicates that this missense variant is expected to disrupt FREM1 protein function. This sequence change replaces tryptophan, which is neutral and slightly polar, with glycine, which is neutral and non-polar, at codon 1372 of the FREM1 protein (p.Trp1372Gly). This variant has not been reported in the literature in individuals affected with FREM1-related conditions. This variant is present in population databases (rs772436406, gnomAD 0.05%).